The following is an entry in ClinVar:

ClinVar aggregate classification (germline): Uncertain significance (1 of 4 stars; one submission).

Conditions:
Congenital myopathy with internal nuclei and atypical cores. Also called: Myopathy, centronuclear, 4. Identifiers: Orphanet 319160, MedGen C4707232, MONDO:0013890, OMIM 614807.

Allele frequency attached by ClinVar (database versions not stated): gnomAD exomes below 0.00001; TOPMed below 0.00001.

Submission:

Labcorp Genetics (formerly Invitae), Labcorp
Classification: Uncertain significance for Congenital myopathy with internal nuclei and atypical cores. Last evaluated: 2022-10-04. Review status: criteria provided, single submitter. Criteria: Invitae Variant Classification Sherloc (09022015). Collection method: clinical testing. Allele origin: germline.
Comment: This sequence change affects codon 165 of the CCDC78 mRNA. It is a 'silent' change, meaning that it does not change the encoded amino acid sequence of the CCDC78 protein. It affects a nucleotide within the consensus splice site. This variant is not present in population databases (gnomAD no frequency). This variant has not been reported in the literature in individuals affected with CCDC78-related conditions. ClinVar contains an entry for this variant (Variation ID: 1384065). Algorithms developed to predict the effect of sequence changes on RNA splicing suggest that this variant is not likely to affect RNA splicing. In summary, the available evidence is currently insufficient to determine the role of this variant in disease. Therefore, it has been classified as a Variant of Uncertain Significance.

NM_001378030.1(CCDC78):c.493C>T (p.Leu165=)

Gene: CCDC78 (coiled-coil domain containing 78; minus strand). Cytogenetic location: 16p13.3.
Variant type: single nucleotide variant.
Coding change: c.493C>T on transcript NM_001378030.1 (MANE Select); coding-DNA position 493, C replaced by T.
Protein change: p.Leu165=; no amino-acid change (leucine 165 retained).
Molecular consequence: synonymous variant. On other transcripts: missense variant (1), non-coding transcript variant (5).
Genome position (GRCh38, 1-based): chr16:725,145, G>A on the plus strand (C>T on the coding strand, the complement: CCDC78 is on the minus strand). VCF-style: chr16-725145-G-A. GRCh37 (hg19) VCF-style: chr16-775145-G-A.
Other names: c.493C>T, p.Leu165= (NM_001031737.3, NM_001378031.1); c.131C>T, p.Ala44Val (NM_001378033.1); short protein forms A44V.
Identifiers: ClinVar variation 1384065 (VCV001384065.6), dbSNP rs1361254201, ClinGen allele CA493013478.